The following is an entry in ClinVar:

ClinVar aggregate classification (germline): Uncertain significance. Review status: criteria provided, multiple submitters, no conflicts (2 of 4 stars). 5 submissions from 5 submitters: Uncertain significance (5). Last evaluated 2026-07-21.

Conditions:
COX15-related disorder. Also called: COX15-related condition.

Allele frequency attached by ClinVar (database versions not stated): gnomAD exomes 0.00003 and 0.00010; ExAC 0.00012; ESP Exome Variant Server 0.00046; 1000 Genomes Project 30x 0.00047; 1000 Genomes Project 0.00060; gnomAD 0.00028 and 0.00031; TOPMed 0.00035.
gnomAD v4.1: 87 of 1,613,762 alleles (0.0054%); highest among the groups gnomAD compares: African/African-American, 0.097%; no homozygotes.

Submissions (5):

GeneDx
Classification: Uncertain significance. Last evaluated: 2026-07-21. Review status: criteria provided, single submitter. Criteria: GeneDx Variant Classification Process June 2021. Collection method: clinical testing. Allele origin: germline.
Comment: In silico analysis supports that this missense variant has a deleterious effect on protein structure/function; Has not been previously published as pathogenic or benign to our knowledge

PreventionGenetics, part of Exact Sciences
Classification: Uncertain significance for COX15-related condition. Last evaluated: 2026-06-18. Review status: criteria provided, single submitter. Criteria: ACMG Guidelines, 2015. Collection method: clinical testing. Allele origin: germline.
Comment: The COX15 c.329C>T variant is predicted to result in the amino acid substitution p.Pro110Leu. To our knowledge, this variant has not been reported in the literature. This variant is reported in 0.12% of alleles in individuals of African descent in gnomAD. At this time, the clinical significance of this variant is uncertain due to the absence of conclusive functional and genetic evidence.

Women's Health and Genetics/Laboratory Corporation of America, LabCorp
Classification: Uncertain significance. Last evaluated: 2024-02-23. Review status: criteria provided, single submitter. Criteria: LabCorp Variant Classification Summary - May 2015. Collection method: clinical testing. Allele origin: germline.
Comment: Variant summary: COX15 c.329C>T (p.Pro110Leu) results in a non-conservative amino acid change in the encoded protein sequence. Three of five in-silico tools predict a damaging effect of the variant on protein function. The variant allele was found at a frequency of 9.9e-05 in 251334 control chromosomes, predominantly at a frequency of 0.0012 within the African or African-American subpopulation in the gnomAD database. This frequency is not significantly higher than estimated for a pathogenic variant in COX15 causing Leigh Syndrome (9.9e-05 vs 0.0013), allowing no conclusion about variant significance. To our knowledge, no occurrence of c.329C>T in individuals affected with Leigh Syndrome and no experimental evidence demonstrating its impact on protein function have been reported. ClinVar contains an entry for this variant (Variation ID: 1192067). Based on the evidence outlined above, the variant was classified as uncertain significance.

Mayo Clinic Laboratories, Mayo Clinic
Classification: Uncertain significance. Last evaluated: 2023-09-19. Review status: criteria provided, single submitter. Criteria: ACMG Guidelines, 2015. Collection method: clinical testing. Allele origin: germline. Observed: 1 variant allele.
Comment: PP3

Labcorp Genetics (formerly Invitae), Labcorp
Classification: Uncertain significance. Last evaluated: 2022-10-13. Review status: criteria provided, single submitter. Criteria: Invitae Variant Classification Sherloc (09022015). Collection method: clinical testing. Allele origin: germline.
Comment: This sequence change replaces proline, which is neutral and non-polar, with leucine, which is neutral and non-polar, at codon 110 of the COX15 protein (p.Pro110Leu). This variant is present in population databases (rs144644373, gnomAD 0.1%). This variant has not been reported in the literature in individuals affected with COX15-related conditions. ClinVar contains an entry for this variant (Variation ID: 1192067). Algorithms developed to predict the effect of missense changes on protein structure and function are either unavailable or do not agree on the potential impact of this missense change (SIFT: "Not Available"; PolyPhen-2: "Benign"; Align-GVGD: "Not Available"). In summary, the available evidence is currently insufficient to determine the role of this variant in disease. Therefore, it has been classified as a Variant of Uncertain Significance.

NM_078470.6(COX15):c.329C>T (p.Pro110Leu)

Gene: COX15 (cytochrome c oxidase assembly factor COX15; minus strand). Cytogenetic location: 10q24.2.
Variant type: single nucleotide variant.
Coding change: c.329C>T on transcript NM_078470.6 (MANE Select); coding-DNA position 329, C replaced by T.
Protein change: p.Pro110Leu; replaces proline 110 with leucine.
Molecular consequence: missense variant. On other transcripts: 5 prime UTR variant (1), non-coding transcript variant (1).
Genome position (GRCh38, 1-based): chr10:99,727,507, G>A on the plus strand (C>T on the coding strand, the complement: COX15 is on the minus strand). VCF-style: chr10-99727507-G-A. GRCh37 (hg19) VCF-style: chr10-101487264-G-A.
Other names: p.Pro110Leu; c.329C>T, p.Pro110Leu (NM_001320974.2, NM_001320975.2, NM_001372024.1 and 5 more transcripts); c.-126C>T (NM_001320976.2); short protein forms P110L.
Identifiers: ClinVar variation 1192067 (VCV001192067.13), dbSNP rs144644373, ClinGen allele CA5642298.